The following is an entry in ClinVar:

ClinVar aggregate classification (germline): Benign. Review status: criteria provided, multiple submitters, no conflicts (2 of 4 stars). 3 submissions from 3 submitters: Benign (3). Last evaluated 2026-02-01.

Allele frequency attached by ClinVar (database versions not stated): gnomAD exomes 0.00160; ExAC 0.00304; 1000 Genomes Project 0.00679; gnomAD 0.00800 and 0.00862; 1000 Genomes Project 30x 0.00828; TOPMed 0.00912.
gnomAD v4.1: 2,352 of 1,548,930 alleles (0.15%); highest among the groups gnomAD compares: African/African-American, 2.9%; 31 homozygotes.

Submissions (3):

Labcorp Genetics (formerly Invitae), Labcorp
Classification: Benign. Last evaluated: 2026-02-01. Review status: criteria provided, single submitter. Criteria: Invitae Variant Classification Sherloc (09022015). Collection method: clinical testing. Allele origin: germline.

GeneDx
Classification: Benign. Last evaluated: 2019-08-05. Review status: criteria provided, single submitter. Criteria: GeneDx Variant Classification Process June 2021. Collection method: clinical testing. Allele origin: germline. Affected: yes.

Laboratory for Molecular Medicine, Mass General Brigham Personalized Medicine
Classification: Benign. Last evaluated: 2014-11-24. Review status: criteria provided, single submitter. Criteria: LMM Criteria. Collection method: clinical testing. Allele origin: germline. Observed: 4 variant alleles.
Comment: 6329-7C>T in intron 36 of OTOG: This variant is not expected to have clinical si gnificance because it has been identified in 6.8% (12/176) of Yoruba (Nigerian) chromosomes from a broad population by the 1000 Genomes Project (.; dbSNP rs143985593).

NM_001292063.2(OTOG):c.6293-7C>T

Gene: OTOG (otogelin; plus strand). Cytogenetic location: 11p15.1.
Variant type: single nucleotide variant.
Coding change: c.6293-7C>T on transcript NM_001292063.2 (MANE Select); 7 bases into the intron before coding-DNA position 6293, C replaced by T.
Molecular consequence: intron variant.
Genome position (GRCh38, 1-based): chr11:17,612,613, C>T. VCF-style: chr11-17612613-C-T. GRCh37 (hg19) VCF-style: chr11-17634160-C-T.
Other names: c.6329-7C>T (NM_001277269.2).
Identifiers: ClinVar variation 226903 (VCV000226903.17), dbSNP rs143985593, ClinGen allele CA5906017.
Genomic context (GRCh38, chr11:17,612,613, plus strand): 5'-ATCTTCCTAGGCGGCCTTGGTCTTGGAGGCATCCACCTATTCTTCTTGTGCCCTGCCCCT[C>T]CCCCAGGCCGGTGCTCAATCTTCCCTGACCTGAGCTTCGTGACCTTCGATGGGAGCCACG-3'